The following is an entry in ClinVar:

NM_001368894.2(PAX6):c.216C>T (p.Gly72=)

Gene: PAX6 (paired box 6; minus strand). Cytogenetic location: 11p13.
Variant type: single nucleotide variant.
Coding change: c.216C>T on transcript NM_001368894.2 (MANE Select); coding-DNA position 216, C replaced by T.
Protein change: p.Gly72=; no amino-acid change (glycine 72 retained).
Molecular consequence: synonymous variant. On other transcripts: 5 prime UTR variant (14), non-coding transcript variant (2), intron variant (8).
Genome position (GRCh38, 1-based): chr11:31,801,744, G>A on the plus strand (C>T on the coding strand, the complement: PAX6 is on the minus strand). VCF-style: chr11-31801744-G-A. GRCh37 (hg19) VCF-style: chr11-31823292-G-A.
Other names: c.216C>T, p.Gly72= (NM_001368892.2, NM_001368893.2, NM_001368912.2 and 6 more transcripts); c.-235C>T (NM_001368899.2, NM_001368900.2, NM_001368901.2 and 8 more transcripts); c.-566C>T (NM_001368902.2, NM_001368905.2, NM_001310160.2); c.417C>T, p.Gly139= (NM_001368910.2); c.219C>T, p.Gly73= (NM_001368911.2); c.174C>T, p.Gly58= (NM_001368915.2, NM_001368916.2, NM_001368917.2 and 10 more transcripts); c.291C>T, p.Gly97= (NM_001368918.2, NM_001368919.2); c.249C>T, p.Gly83= (NM_001368920.2); and 2 more.
Identifiers: ClinVar variation 800410 (VCV000800410.5), dbSNP rs763807196, ClinGen allele CA5933933.

ClinVar aggregate classification (germline): Pathogenic. Review status: criteria provided, single submitter (1 of 4 stars). 2 submissions from 2 submitters: Pathogenic (1). 1 of the submissions does not count toward it. Last evaluated 2024-06-05.

Conditions:
Aniridia 1 (AN1). Identifiers: Orphanet 250923, MedGen C0344542, MONDO:0024507, OMIM 106210.

Allele frequency attached by ClinVar (database versions not stated): ExAC 0.00001.

Submissions (2):

GeneDx
Classification: Pathogenic. Last evaluated: 2024-06-05. Review status: criteria provided, single submitter. Criteria: GeneDx Variant Classification Process June 2021. Collection method: clinical testing. Allele origin: germline. Affected: yes.
Comment: Published functional studies demonstrate this variant results in abberrant splicing and creates a transcript subject to nonsense mediated decay (PMID: 30315214, 29162348); Not observed at significant frequency in large population cohorts (gnomAD); This variant is associated with the following publications: (PMID: 29162348, 30315214, 32467297, 32214788, 32360764, 34101622, 33782094)

Wessex Regional Genetics Laboratory, Salisbury District Hospital
Classification: Likely pathogenic for Aniridia 1. Last evaluated: 2019-08-15. Review status: no assertion criteria provided. Criteria: ACMG Guidelines, 2015. Collection method: clinical testing. Allele origin: inherited. Inheritance: Autosomal dominant inheritance. Affected: yes. Not counted in ClinVar's aggregate classification.